The following is an entry in ClinVar:

ClinVar aggregate classification (germline): Uncertain significance (1 of 4 stars; one submission).

Submission:

Labcorp Genetics (formerly Invitae), Labcorp
Classification: Uncertain significance. Last evaluated: 2022-10-17. Review status: criteria provided, single submitter. Criteria: Invitae Variant Classification Sherloc (09022015). Collection method: clinical testing. Allele origin: germline.
Comment: This sequence change replaces asparagine, which is neutral and polar, with serine, which is neutral and polar, at codon 232 of the DEF6 protein (p.Asn232Ser). This variant is not present in population databases (gnomAD no frequency). This variant has not been reported in the literature in individuals affected with DEF6-related conditions. Algorithms developed to predict the effect of missense changes on protein structure and function (SIFT, PolyPhen-2, Align-GVGD) all suggest that this variant is likely to be tolerated. In summary, the available evidence is currently insufficient to determine the role of this variant in disease. Therefore, it has been classified as a Variant of Uncertain Significance.

NM_022047.4(DEF6):c.695A>G (p.Asn232Ser)

Gene: DEF6 (DEF6 guanine nucleotide exchange factor; plus strand). Cytogenetic location: 6p21.31.
Variant type: single nucleotide variant.
Coding change: c.695A>G on transcript NM_022047.4 (MANE Select); coding-DNA position 695, A replaced by G.
Protein change: p.Asn232Ser; replaces asparagine 232 with serine.
Molecular consequence: missense variant.
Genome position (GRCh38, 1-based): chr6:35,312,660, A>G. VCF-style: chr6-35312660-A-G. GRCh37 (hg19) VCF-style: chr6-35280437-A-G.
Other names: short protein forms N232S.
Identifiers: ClinVar variation 1967211 (VCV001967211.5), dbSNP rs2534182543, ClinGen allele CA363763915.